The following is an entry in ClinVar:

ClinVar aggregate classification (germline): Likely benign (1 of 4 stars; one submission).

Allele frequency attached by ClinVar (database versions not stated): gnomAD below 0.00001 and 0.00001; TOPMed 0.00001; ExAC 0.00003; 1000 Genomes Project 0.00020; 1000 Genomes Project 30x 0.00031.
gnomAD v4.1: 19 of 1,614,160 alleles (0.0012%); highest among the groups gnomAD compares: South Asian, 0.019%; no homozygotes.

Submission:

Laboratory for Molecular Medicine, Mass General Brigham Personalized Medicine
Classification: Likely benign. Last evaluated: 2017-08-23. Review status: criteria provided, single submitter. Criteria: LMM Criteria. Collection method: clinical testing. Allele origin: germline. Observed: 1 variant allele.
Comment: p.Leu1421Leu in exon 12 of TECTA: This variant is not expected to have clinical significance because it does not alter an amino acid residue and is not located within the splice consensus sequence. It has been identified in 0.02% (4/16148) of South Asian chromosomes by the Exome Aggregation Consortium (ExAC; dbSNP rs563775304).

NM_005422.4(TECTA):c.4263G>A (p.Leu1421=)

Genes: TBCEL-TECTA (TBCEL-TECTA readthrough; plus strand), TECTA (tectorin alpha; plus strand). Cytogenetic location: 11q23.3.
Variant type: single nucleotide variant.
Coding change: c.4263G>A on transcript NM_005422.4 (MANE Select); coding-DNA position 4263, G replaced by A.
Protein change: p.Leu1421=; no amino-acid change (leucine 1421 retained).
Molecular consequence: synonymous variant.
Genome position (GRCh38, 1-based): chr11:121,153,038, G>A. VCF-style: chr11-121153038-G-A. GRCh37 (hg19) VCF-style: chr11-121023747-G-A.
Other names: c.5220G>A, p.Leu1740= (NM_001378761.1).
Identifiers: ClinVar variation 929983 (VCV000929983.4), dbSNP rs563775304, ClinGen allele CA6327402.